The following is an entry in ClinVar:

ClinVar aggregate classification (germline): Likely benign. Review status: criteria provided, multiple submitters, no conflicts (2 of 4 stars). 2 submissions from 2 submitters: Likely benign (2). Last evaluated 2025-12-01.

Submissions (2):

CeGaT Center for Human Genetics Tuebingen
Classification: Likely benign. Last evaluated: 2025-12-01. Review status: criteria provided, single submitter. Criteria: CeGaT Center For Human Genetics Tuebingen Variant Classification Criteria Version 2. Collection method: clinical testing. Allele origin: germline. Affected: yes. Observed: 1 variant allele.
Comment: DSPP: BP4, BP7

Blueprint Genetics
Classification: Likely benign. Last evaluated: 2024-11-25. Review status: criteria provided, single submitter. Criteria: ACMG Guidelines, 2015. Collection method: clinical testing. Allele origin: germline.

NM_014208.3(DSPP):c.3426T>C (p.Ser1142=)

Genes: DMP1-AS1 (DMP1 and DSPP antisense RNA 1; minus strand), DSPP (dentin sialophosphoprotein; plus strand). Cytogenetic location: 4q22.1.
Variant type: single nucleotide variant.
Coding change: c.3426T>C on transcript NM_014208.3 (MANE Select); coding-DNA position 3426, T replaced by C.
Protein change: p.Ser1142=; no amino-acid change (serine 1142 retained).
Molecular consequence: synonymous variant.
Genome position (GRCh38, 1-based): chr4:87,616,088, T>C. VCF-style: chr4-87616088-T-C. GRCh37 (hg19) VCF-style: chr4-88537240-T-C.
Identifiers: ClinVar variation 4681277 (VCV004681277.6).